The following is an entry in ClinVar:

NM_000138.5(FBN1):c.2959G>C (p.Ala987Pro)

Gene: FBN1 (fibrillin 1; minus strand). Cytogenetic location: 15q21.1.
Variant type: single nucleotide variant.
Coding change: c.2959G>C on transcript NM_000138.5 (MANE Select); coding-DNA position 2959, G replaced by C.
Protein change: p.Ala987Pro; replaces alanine 987 with proline.
Molecular consequence: missense variant.
Genome position (GRCh38, 1-based): chr15:48,489,974, C>G on the plus strand (G>C on the coding strand, the complement: FBN1 is on the minus strand). VCF-style: chr15-48489974-C-G. GRCh37 (hg19) VCF-style: chr15-48782171-C-G.
Other names: short protein forms A987P.
Identifiers: ClinVar variation 1500665 (VCV001500665.6), dbSNP rs2141297282, ClinGen allele CA392329451.

ClinVar aggregate classification (germline): Uncertain significance (1 of 4 stars; one submission).

Conditions:
Marfan syndrome (MFS). Also called: MARFAN SYNDROME, TYPE I; Marfan syndrome type 1; Marfan's syndrome; Marfan syndrome, classic; FBN1-Related Marfan Syndrome. Identifiers: Orphanet 284963, Orphanet 558, MedGen C0024796, MONDO:0007947, OMIM 154700.
Familial thoracic aortic aneurysm and aortic dissection (TAAD). Also called: Thoracic aortic aneurysms and dissections. Identifiers: Orphanet 91387, MedGen C4707243, MONDO:0019625.

Submission:

Labcorp Genetics (formerly Invitae), Labcorp
Classification: Uncertain significance for Marfan syndrome; Familial thoracic aortic aneurysm and aortic dissection. Last evaluated: 2022-08-09. Review status: criteria provided, single submitter. Criteria: Invitae Variant Classification Sherloc (09022015). Collection method: clinical testing. Allele origin: germline.
Comment: This sequence change replaces alanine, which is neutral and non-polar, with proline, which is neutral and non-polar, at codon 987 of the FBN1 protein (p.Ala987Pro). This variant is not present in population databases (gnomAD no frequency). This missense change has been observed in individual(s) with clinical features of FBN1-related conditions (Invitae). ClinVar contains an entry for this variant (Variation ID: 1500665). Advanced modeling of protein sequence and biophysical properties (such as structural, functional, and spatial information, amino acid conservation, physicochemical variation, residue mobility, and thermodynamic stability) performed at Invitae indicates that this missense variant is expected to disrupt FBN1 protein function. In summary, the available evidence is currently insufficient to determine the role of this variant in disease. Therefore, it has been classified as a Variant of Uncertain Significance.